The following is an entry in ClinVar:

NM_015335.5(MED13L):c.1783C>T (p.Leu595=)

Gene: MED13L (mediator complex subunit 13L; minus strand). Cytogenetic location: 12q24.21.
Variant type: single nucleotide variant.
Coding change: c.1783C>T on transcript NM_015335.5 (MANE Select); coding-DNA position 1783, C replaced by T.
Protein change: p.Leu595=; no amino-acid change (leucine 595 retained).
Molecular consequence: synonymous variant.
Genome position (GRCh38, 1-based): chr12:116,008,630, G>A on the plus strand (C>T on the coding strand, the complement: MED13L is on the minus strand). VCF-style: chr12-116008630-G-A. GRCh37 (hg19) VCF-style: chr12-116446435-G-A.
Identifiers: ClinVar variation 4822588 (VCV004822588.4).

ClinVar aggregate classification (germline): Likely benign (1 of 4 stars; one submission).

gnomAD v4.1: 8 of 1,613,964 alleles (0.0005%); highest among the groups gnomAD compares: African/African-American, 0.004%; no homozygotes.

Submission:

CeGaT Center for Human Genetics Tuebingen
Classification: Likely benign. Last evaluated: 2025-12-01. Review status: criteria provided, single submitter. Criteria: CeGaT Center For Human Genetics Tuebingen Variant Classification Criteria Version 2. Collection method: clinical testing. Allele origin: germline. Affected: yes. Observed: 1 variant allele.
Comment: MED13L: BP4, BP7